The following is an entry in ClinVar:

ClinVar aggregate classification (germline): Pathogenic (1 of 4 stars; one submission).

Conditions:
Familial cancer of breast. Also called: hereditary breast carcinoma; BREAST CANCER, FAMILIAL; Hereditary breast cancer. Identifiers: Orphanet 227535, MedGen C0346153, MONDO:0016419, OMIM 114480. Disease mechanism: loss of function.

Submission:

Labcorp Genetics (formerly Invitae), Labcorp
Classification: Pathogenic for Familial cancer of breast. Last evaluated: 2025-03-23. Review status: criteria provided, single submitter. Criteria: Invitae Variant Classification Sherloc (09022015). Collection method: clinical testing. Allele origin: germline.
Comment: This sequence change falls in intron 5 of the BARD1 gene. It does not directly change the encoded amino acid sequence of the BARD1 protein. RNA analysis indicates that this variant induces altered splicing and may result in an absent or altered protein product. This variant is not present in population databases (gnomAD no frequency). This variant has not been reported in the literature in individuals affected with BARD1-related conditions. ClinVar contains an entry for this variant (Variation ID: 2772582). Studies have shown that this variant results in activation of a cryptic splice site, and produces a non-functional protein and/or introduces a premature termination codon (internal data). For these reasons, this variant has been classified as Pathogenic.

NM_000465.4(BARD1):c.1396-13A>G

Gene: BARD1 (BRCA1 associated RING domain 1; minus strand). Cytogenetic location: 2q35.
Variant type: single nucleotide variant.
Coding change: c.1396-13A>G on transcript NM_000465.4 (MANE Select); 13 bases into the intron before coding-DNA position 1396, A replaced by G.
Molecular consequence: intron variant.
Genome position (GRCh38, 1-based): chr2:214,767,667, T>C on the plus strand (A>G on the coding strand, the complement: BARD1 is on the minus strand). VCF-style: chr2-214767667-T-C. GRCh37 (hg19) VCF-style: chr2-215632391-T-C.
Other names: c.159-15112A>G (NM_001282548.2); c.1339-13A>G (NM_001282543.2); c.216-15112A>G (NM_001282545.2); c.364+24630A>G (NM_001282549.2).
Identifiers: ClinVar variation 2772582 (VCV002772582.3), dbSNP rs2469445068, ClinGen allele CA2697550334.
Genomic context (GRCh38, chr2:214,767,667, plus strand): 5'-GAGCAATAATTCCACTACCTTCAGGTGCCCATGATTGCAAGCTTCATGCTAATTAAATTT[T>C]TTGAAAAAGAAGTGAAAGAAGTGATAAGAAAGAGCAATGGATGATATTATAATATCACAC-3'